The following is an entry in ClinVar:

NM_001040108.2(MLH3):c.889C>T (p.Arg297Trp)

Gene: MLH3 (mutL homolog 3; minus strand). Cytogenetic location: 14q24.3.
Variant type: single nucleotide variant.
Coding change: c.889C>T on transcript NM_001040108.2 (MANE Select); coding-DNA position 889, C replaced by T.
Protein change: p.Arg297Trp; replaces arginine 297 with tryptophan.
Molecular consequence: missense variant.
Genome position (GRCh38, 1-based): chr14:75,048,767, G>A on the plus strand (C>T on the coding strand, the complement: MLH3 is on the minus strand). VCF-style: chr14-75048767-G-A. GRCh37 (hg19) VCF-style: chr14-75515470-G-A.
Other names: c.889C>T, p.Arg297Trp (NM_014381.3); short protein forms R297W.
Identifiers: ClinVar variation 577841 (VCV000577841.15), dbSNP rs775001669, ClinGen allele CA7275950.
Genomic context (GRCh38, chr14:75,048,767, plus strand): 5'-ACTCACAGAATTGGCACTGCACATTAATTACATATATGCCATAGAGTTCTGGGGTAGACC[G>A]GTGCCGAAGACTTGAATTCATTTGCCTACTGGTGGGACCATTCTTTGGCTTGCATATAAT-3'
Protein context (NP_001035197.1, residues 287-307): SRQMNSSLRH[Arg297Trp]STPELYGIYV

ClinVar aggregate classification (germline): Conflicting classifications of pathogenicity. Review status: criteria provided, conflicting classifications (1 of 4 stars). 3 submissions from 3 submitters: Uncertain significance (2); Likely benign (1). Last evaluated 2025-11-10.

Conditions:
Endometrial carcinoma. Also called: Endometrial carcinoma, somatic. Identifiers: MedGen C0476089, MONDO:0002447, OMIM 608089, HP:0012114.
Colorectal cancer. Also called: Colorectal cancer, somatic; Malignant Colorectal Neoplasm. Identifiers: MedGen C0346629, MONDO:0005575, OMIM 114500.
Colorectal cancer, hereditary nonpolyposis, type 7. Identifiers: Orphanet 144, MedGen C1858380, MONDO:0013725, OMIM 614385.

Allele frequency attached by ClinVar (database versions not stated): TOPMed 0.00001; gnomAD exomes 0.00006 and 0.00015; gnomAD 0.00009; ExAC 0.00012.
gnomAD v4.1: 108 of 1,613,904 alleles (0.0067%); highest among the groups gnomAD compares: Middle Eastern, 0.016%; no homozygotes.

Submissions (3):

Labcorp Genetics (formerly Invitae), Labcorp
Classification: Likely benign for Colorectal cancer, hereditary nonpolyposis, type 7. Last evaluated: 2025-11-10. Review status: criteria provided, single submitter. Criteria: Invitae Variant Classification Sherloc (09022015). Collection method: clinical testing. Allele origin: germline.

Ambry Genetics
Classification: Uncertain significance. Last evaluated: 2024-11-23. Review status: criteria provided, single submitter. Criteria: Ambry Variant Classification Scheme 2023. Collection method: clinical testing. Allele origin: germline.
Comment: The p.R297W variant (also known as c.889C>T), located in coding exon 1 of the MLH3 gene, results from a C to T substitution at nucleotide position 889. The arginine at codon 297 is replaced by tryptophan, an amino acid with dissimilar properties. This amino acid position is highly conserved through mammals but not in all available vertebrate species. In addition, the in silico prediction for this alteration is inconclusive. Since supporting evidence is limited at this time, the clinical significance of this alteration remains unclear.

Fulgent Genetics
Classification: Uncertain significance for Colorectal cancer; Endometrial carcinoma; Colorectal cancer, hereditary nonpolyposis, type 7. Last evaluated: 2024-04-08. Review status: criteria provided, single submitter. Criteria: ACMG Guidelines, 2015. Collection method: clinical testing. Allele origin: germline.